The following is an entry in ClinVar:

ClinVar aggregate classification (germline): Pathogenic/Likely pathogenic. Review status: criteria provided, multiple submitters, no conflicts (2 of 4 stars). 9 submissions from 9 submitters: Pathogenic (4); Likely pathogenic (4). 1 of the submissions does not count toward it. Last evaluated 2026-08-20.

Conditions:
ATP6V1B1-related disorder. Also called: ATP6V1B1-related condition.
Inborn genetic diseases. Identifiers: MedGen C0950123, MeSH D030342.
Renal tubular acidosis with progressive nerve deafness. Also called: RENAL TUBULAR ACIDOSIS, AUTOSOMAL RECESSIVE, WITH PROGRESSIVE NERVE DEAFNESS; RTA WITH PROGRESSIVE NERVE DEAFNESS; Distal Renal Tubular Acidosis with Progressive Sensorineural Deafness; renal tubular acidosis, distal, 2, with progressive sensorineural hearing loss. Identifiers: MedGen C0403554, MONDO:0009968, OMIM 267300.

Allele frequency attached by ClinVar (database versions not stated): gnomAD 0.00009; gnomAD exomes 0.00002; ExAC 0.00003; TOPMed 0.00007.
gnomAD v4.1: 42 of 1,614,034 alleles (0.0026%); highest among the groups gnomAD compares: African/African-American, 0.015%; no homozygotes.

Submissions (11):

PreventionGenetics, part of Exact Sciences
Classification: Pathogenic for ATP6V1B1-related condition. Last evaluated: 2026-08-20. Review status: criteria provided, single submitter. Criteria: ACMG Guidelines, 2015. Collection method: clinical testing. Allele origin: germline.
Comment: The ATP6V1B1 c.232G>A variant is predicted to result in the amino acid substitution p.Gly78Arg. This variant has been reported in the homozygous and compound heterozygous state in multiple individuals with distal renal tubular acidosis and sensorineural hearing loss and has been shown to segregate with disease (Borthwick et al. 2003. PubMed ID: 12566520; Subasioglu Uzak et al. 2013. PubMed ID: 23923981; Guo et al. 2021. PubMed ID: 34159584; Ay et al. 2023. PubMed ID: 37121229). In vitro experimental studies using HEK293 cells and a yeast complementation assay suggest this variant decreases protein interaction with the V-ATPase E subunit and decreases proton pump enzyme activity (Fuster et al. 2008. PubMed ID: 18368028). This variant is reported in 0.020% of alleles in individuals of African descent in gnomAD. This variant is interpreted as pathogenic.

Natera, Inc.
Classification: Likely pathogenic for Renal tubular acidosis with progressive nerve deafness. Last evaluated: 2025-02-10. Review status: criteria provided, single submitter. Criteria: Natera Variant Classification Schema (03/2026). Collection method: clinical testing. Allele origin: germline.
Comment: The c.232G>A variant in ATP6V1B1 is a missense variant predicted to cause substitution of glycine to arginine at amino acid 78. This variant is rare in the general population with a frequency below the threshold expected for the associated phenotype(s). This variant has been observed in one or more individuals affected with the associated recessive disease, as either homozygous or compound heterozygous with a second variant (PMID: 34159584, 12566520, 34159584). Additionally, this variant has been observed to segregate in affected family members (PMID: 12566520, 23923981). This variant has been identified in one or more affected individuals with a phenotype highly consistent with the associated gene (PMID: 34159584). Computational prediction algorithms indicate this variant is likely to affect gene or protein function. Given the available evidence, this variant is classified as Likely Pathogenic.

Fulgent Genetics
Classification: Pathogenic for Renal tubular acidosis with progressive nerve deafness. Last evaluated: 2024-04-24. Review status: criteria provided, single submitter. Criteria: ACMG Guidelines, 2015. Collection method: clinical testing. Allele origin: germline.

Genetic Services Laboratory, University of Chicago
Classification: Likely pathogenic. Last evaluated: 2023-11-07. Review status: criteria provided, single submitter. Criteria: ACMG Guidelines, 2015. Collection method: clinical testing. Allele origin: germline. Affected: yes.
Comment: DNA sequence analysis of the ATP6V1B1 gene demonstrated a sequence change, c.232G>A, in exon 3 that results in an amino acid change, p.Gly78Arg. The p.Gly78Arg change affects a highly conserved amino acid residue located in a domain of the ATP6V1B1 protein that is known to be functional. The p.Gly78Arg substitution appears to be deleterious using several in-silico pathogenicity prediction tools (SIFT, PolyPhen2, Align GVGD, REVEL). This particular amino acid change has been described in the literature in several individuals with ATP6V1B1-related distal renal tubular acidosis with progressive sensorineural hearing loss (PMID: 12566520, 23923981, 25498251, 34159584.) Experimental studies indicated that this variant fails to interact with the E subunit in HEK293 cells so may have potential impact on ATP6V1B1 function (PMID: 18368028). This sequence change has been described in the gnomAD database with an overall frequency of 0.0028% (dbSNP rs121964881). These collective evidences indicate that this sequence change is likely pathogenic.

Labcorp Genetics (formerly Invitae), Labcorp
Classification: Pathogenic. Last evaluated: 2023-06-27. Review status: criteria provided, single submitter. Criteria: Invitae Variant Classification Sherloc (09022015). Collection method: clinical testing. Allele origin: germline.
Comment: For these reasons, this variant has been classified as Pathogenic. Experimental studies have shown that this missense change affects ATP6V1B1 function (PMID: 18368028). Advanced modeling of protein sequence and biophysical properties (such as structural, functional, and spatial information, amino acid conservation, physicochemical variation, residue mobility, and thermodynamic stability) performed at Invitae indicates that this missense variant is expected to disrupt ATP6V1B1 protein function. ClinVar contains an entry for this variant (Variation ID: 12229). This missense change has been observed in individual(s) with ATP6V1B1-related conditions (PMID: 12566520, 23923981, 25498251, 34159584). In at least one individual the data is consistent with being in trans (on the opposite chromosome) from a pathogenic variant. This variant is present in population databases (rs121964881, gnomAD 0.02%). This sequence change replaces glycine, which is neutral and non-polar, with arginine, which is basic and polar, at codon 78 of the ATP6V1B1 protein (p.Gly78Arg).

GeneDx
Classification: Likely pathogenic. Last evaluated: 2021-01-20. Review status: criteria provided, single submitter. Criteria: GeneDx Variant Classification Process June 2021. Collection method: clinical testing. Allele origin: germline. Affected: yes.
Comment: Published functional studies demonstrate G78R fails to interact with the E subunit in HEK293 cells (Fuster et al., 2008); In silico analysis supports that this missense variant has a deleterious effect on protein structure/function; This variant is associated with the following publications: (PMID: 23729491, 9916796, 16769747, 23923981, 16611712, 7499943, 27247958, 28188436, 12566520, 18368028)

Ambry Genetics
Classification: Pathogenic for Inborn genetic diseases. Last evaluated: 2017-08-04. Review status: criteria provided, single submitter. Criteria: Ambry exome assertion method (8-5-2015). Collection method: clinical testing. Allele origin: germline. Affected: yes. Observed: 1 variant allele.

Juno Genomics, Hangzhou Juno Genomics, Inc
Classification: Likely pathogenic for Renal tubular acidosis with progressive nerve deafness. Review status: criteria provided, single submitter. Criteria: ACMG Guidelines, 2015. Collection method: clinical testing. Allele origin: germline.
Comment: Absent from controls (or at extremely low frequency if recessive) in Genome Aggregation Database.;For recessive disorders, detected in trans with a pathogenic variant.;Patient's phenotype or family history is highly specific for a disease with a single genetic etiology.;Co-segregation with disease in multiple affected family members.;Well-established in vitro or in vivo functional studies supportive of a damaging effect on the gene or gene product.

OMIM
Classification: Pathogenic for RENAL TUBULAR ACIDOSIS, DISTAL, 2, WITH PROGRESSIVE SENSORINEURAL HEARING LOSS. Last evaluated: 2003-02-01. Review status: no assertion criteria provided. Collection method: literature only. Allele origin: germline. Not counted in ClinVar's aggregate classification.

Dr. Peter K. Rogan Lab, Western University
No classification provided (evidence only). Condition: Ovarian serous cystadenocarcinoma. Review status: no classification provided. Collection method: in vitro. Allele origin: not applicable. Functional consequence: retained intron. Not counted in ClinVar's aggregate classification.

Dr. Peter K. Rogan Lab, Western University
No classification provided (evidence only). Condition: Gastric cancer. Review status: no classification provided. Collection method: in vitro. Allele origin: not applicable. Functional consequence: retained intron. Not counted in ClinVar's aggregate classification.

Literature cited by the submitters: PubMed 34159584 (cited by Natera, Inc. and Labcorp Genetics (formerly Invitae), Labcorp); PubMed 12566520 (cited by 4 submitters); PubMed 23923981 (cited by 3 submitters); PubMed 18368028 (cited by Labcorp Genetics (formerly Invitae), Labcorp and Ambry Genetics); PubMed 25498251 (cited by Labcorp Genetics (formerly Invitae), Labcorp).

NM_001692.4(ATP6V1B1):c.232G>A (p.Gly78Arg)

Gene: ATP6V1B1 (ATPase H+ transporting V1 subunit B1; plus strand). Cytogenetic location: 2p13.3.
Variant type: single nucleotide variant.
Coding change: c.232G>A on transcript NM_001692.4 (MANE Select); coding-DNA position 232, G replaced by A.
Protein change: p.Gly78Arg; replaces glycine 78 with arginine.
Molecular consequence: missense variant.
Genome position (GRCh38, 1-based): chr2:70,958,103, G>A. VCF-style: chr2-70958103-G-A. GRCh37 (hg19) VCF-style: chr2-71185233-G-A.
Other names: short protein forms G78R.
Identifiers: ClinVar variation 12229 (VCV000012229.23), dbSNP rs121964881, ClinGen allele CA121986.
Genomic context (GRCh38, chr2:70,958,103, plus strand): 5'-CAGTTTGCCCAGTATGCGGAGATCGTCCACTTCACCCTCCCAGATGGGACTCAGAGGAGC[G>A]GGCAGGTGCTTGAGGTGGCTGGCACCAAGGCGATTGTTCAGGTGAGTGGGGTCAATGGGA-3'
Protein context (NP_001683.2, residues 68-88): FTLPDGTQRS[Gly78Arg]QVLEVAGTKA